The following is an entry in ClinVar:

ClinVar aggregate classification (germline): Benign (0 of 4 stars; one submission).

Conditions:
LTBP1-related disorder. Also called: LTBP1-related condition.

Allele frequency attached by ClinVar (database versions not stated): 1000 Genomes Project 30x 0.44425; 1000 Genomes Project 0.44669; ExAC 0.49938; TOPMed 0.51675; gnomAD 0.51937; ESP Exome Variant Server 0.53129.
gnomAD v4.1: 823,949 of 1,604,316 alleles (51%); highest among the groups gnomAD compares: African/African-American, 54%; 213,839 homozygotes.

Submission:

PreventionGenetics, part of Exact Sciences
Classification: Benign for LTBP1-related condition. Last evaluated: 2021-04-12. Review status: no assertion criteria provided. Collection method: clinical testing. Allele origin: germline.
Comment: This variant is classified as benign based on ACMG/AMP sequence variant interpretation guidelines (Richards et al. 2015 PMID: 25741868, with internal and published modifications).

NM_206943.4(LTBP1):c.1427-4G>T

Gene: LTBP1 (latent transforming growth factor beta binding protein 1; plus strand). Cytogenetic location: 2p22.3.
Variant type: single nucleotide variant.
Coding change: c.1427-4G>T on transcript NM_206943.4 (MANE Select); 4 bases into the intron before coding-DNA position 1427, G replaced by T.
Molecular consequence: intron variant.
Genome position (GRCh38, 1-based): chr2:33,188,573, G>T. VCF-style: chr2-33188573-G-T. GRCh37 (hg19) VCF-style: chr2-33413640-G-T.
Other names: c.1427-4G>T (NM_001394905.1); c.206-4G>T (NM_001394916.1); c.449-4G>T (NM_000627.4, NM_001394912.1, NM_001166264.2 and 21 more transcripts).
Identifiers: ClinVar variation 3060317 (VCV003060317.2), dbSNP rs6712473, ClinGen allele CA1607054.